The following is an entry in ClinVar:

ClinVar aggregate classification (germline): Uncertain significance. Review status: criteria provided, multiple submitters, no conflicts (2 of 4 stars). 2 submissions from 2 submitters: Uncertain significance (2). Last evaluated 2025-07-06.

Conditions:
Brugada syndrome. Also called: Sudden unexplained nocturnal death syndrome; Sudden unexpected nocturnal death syndrome; Sudden Unexplained Death Syndrome; Sudden Unexplained Nocturnal Death Syndrome (SUNDS). Identifiers: Orphanet 130, MedGen C1142166, MONDO:0015263.

Allele frequency attached by ClinVar (database versions not stated): gnomAD 0.00001; gnomAD exomes 0.00001.
gnomAD v4.1: 9 of 1,614,052 alleles (0.00056%); highest among the groups gnomAD compares: East Asian, 0.02%; 1 homozygote.

Submissions (2):

Labcorp Genetics (formerly Invitae), Labcorp
Classification: Uncertain significance for Brugada syndrome. Last evaluated: 2025-07-06. Review status: criteria provided, single submitter. Criteria: Invitae Variant Classification Sherloc (09022015). Collection method: clinical testing. Allele origin: germline.
Comment: This sequence change replaces methionine, which is neutral and non-polar, with isoleucine, which is neutral and non-polar, at codon 682 of the SCN10A protein (p.Met682Ile). This variant is not present in population databases (gnomAD no frequency). This variant has not been reported in the literature in individuals affected with SCN10A-related conditions. ClinVar contains an entry for this variant (Variation ID: 2195348). Invitae Evidence Modeling of protein sequence and biophysical properties (such as structural, functional, and spatial information, amino acid conservation, physicochemical variation, residue mobility, and thermodynamic stability) indicates that this missense variant is expected to disrupt SCN10A protein function with a positive predictive value of 80%. In summary, the available evidence is currently insufficient to determine the role of this variant in disease. Therefore, it has been classified as a Variant of Uncertain Significance.

GeneDx
Classification: Uncertain significance. Last evaluated: 2023-01-12. Review status: criteria provided, single submitter. Criteria: GeneDx Variant Classification Process June 2021. Collection method: clinical testing. Allele origin: germline. Affected: yes.
Comment: Not observed at significant frequency in large population cohorts (gnomAD); In silico analysis supports that this missense variant has a deleterious effect on protein structure/function; Has not been previously published as pathogenic or benign to our knowledge

NM_006514.4(SCN10A):c.2046G>A (p.Met682Ile)

Gene: SCN10A (sodium voltage-gated channel alpha subunit 10; minus strand). Cytogenetic location: 3p22.2.
Variant type: single nucleotide variant.
Coding change: c.2046G>A on transcript NM_006514.4 (MANE Select); coding-DNA position 2046, G replaced by A.
Protein change: p.Met682Ile; replaces methionine 682 with isoleucine.
Molecular consequence: missense variant.
Genome position (GRCh38, 1-based): chr3:38,742,351, C>T on the plus strand (G>A on the coding strand, the complement: SCN10A is on the minus strand). VCF-style: chr3-38742351-C-T. GRCh37 (hg19) VCF-style: chr3-38783842-C-T.
Other names: c.2046G>A, p.Met682Ile (NM_001293306.2); c.1752G>A, p.Met584Ile (NM_001293307.2); c.2046G>A (NM_006514.2); short protein forms M584I, M682I.
Identifiers: ClinVar variation 2195348 (VCV002195348.5), dbSNP rs2063641999, ClinGen allele CA352165084.